The following is an entry in ClinVar:

ClinVar aggregate classification (germline): Uncertain significance. Review status: criteria provided, multiple submitters, no conflicts (2 of 4 stars). 2 submissions from 2 submitters: Uncertain significance (2). Last evaluated 2024-10-24.

Allele frequency attached by ClinVar (database versions not stated): TOPMed 0.00010; ESP Exome Variant Server 0.00015; 1000 Genomes Project 30x 0.00016; gnomAD 0.00017; 1000 Genomes Project 0.00020; gnomAD exomes 0.00020; ExAC 0.00030.
gnomAD v4.1: 315 of 1,614,072 alleles (0.02%); highest among the groups gnomAD compares: South Asian, 0.13%; 2 homozygotes.

Submissions (2):

Labcorp Genetics (formerly Invitae), Labcorp
Classification: Uncertain significance. Last evaluated: 2024-10-24. Review status: criteria provided, single submitter. Criteria: Invitae Variant Classification Sherloc (09022015). Collection method: clinical testing. Allele origin: germline.
Comment: This sequence change falls in intron 3 of the ABCC2 gene. It does not directly change the encoded amino acid sequence of the ABCC2 protein. It affects a nucleotide within the consensus splice site. This variant is present in population databases (rs370047287, gnomAD 0.1%). This variant has not been reported in the literature in individuals affected with ABCC2-related conditions. ClinVar contains an entry for this variant (Variation ID: 2640751). Variants that disrupt the consensus splice site are a relatively common cause of aberrant splicing (PMID: 17576681, 9536098). Algorithms developed to predict the effect of sequence changes on RNA splicing suggest that this variant is not likely to affect RNA splicing. In summary, the available evidence is currently insufficient to determine the role of this variant in disease. Therefore, it has been classified as a Variant of Uncertain Significance.

CeGaT Center for Human Genetics Tuebingen
Classification: Uncertain significance. Last evaluated: 2022-07-01. Review status: criteria provided, single submitter. Criteria: CeGaT Center For Human Genetics Tuebingen Variant Classification Criteria Version 2. Collection method: clinical testing. Allele origin: germline. Affected: yes. Observed: 1 variant allele.
Comment: ABCC2: PM2, BP4

Literature cited by the submitters: PubMed 17576681 (cited by Labcorp Genetics (formerly Invitae), Labcorp); PubMed 9536098 (cited by Labcorp Genetics (formerly Invitae), Labcorp).

NM_000392.5(ABCC2):c.334-3C>T

Gene: ABCC2 (ATP binding cassette subfamily C member 2; plus strand). Cytogenetic location: 10q24.2.
Variant type: single nucleotide variant.
Coding change: c.334-3C>T on transcript NM_000392.5 (MANE Select); 3 bases into the intron before coding-DNA position 334, C replaced by T.
Molecular consequence: intron variant.
Genome position (GRCh38, 1-based): chr10:99,793,548, C>T. VCF-style: chr10-99793548-C-T. GRCh37 (hg19) VCF-style: chr10-101553305-C-T.
Identifiers: ClinVar variation 2640751 (VCV002640751.26), dbSNP rs370047287, ClinGen allele CA5642862.